The following is an entry in ClinVar:

NM_002599.5(PDE2A):c.1575T>C (p.Asn525=)

Gene: PDE2A (phosphodiesterase 2A; minus strand). Cytogenetic location: 11q13.4.
Variant type: single nucleotide variant.
Coding change: c.1575T>C on transcript NM_002599.5 (MANE Select); coding-DNA position 1575, T replaced by C.
Protein change: p.Asn525=; no amino-acid change (asparagine 525 retained).
Molecular consequence: synonymous variant.
Genome position (GRCh38, 1-based): chr11:72,584,276, A>G on the plus strand (T>C on the coding strand, the complement: PDE2A is on the minus strand). VCF-style: chr11-72584276-A-G. GRCh37 (hg19) VCF-style: chr11-72295320-A-G.
Other names: c.1554T>C, p.Asn518= (NM_001143839.4); c.1548T>C, p.Asn516= (NM_001146209.3); c.1512T>C, p.Asn504= (NM_001243784.2).
Identifiers: ClinVar variation 5039447 (VCV005039447.1).
Genomic context (GRCh38, chr11:72,584,276, plus strand): 5'-GCCGCAGTAGATGGAGAAGGCCGTCGCCAGGTCCTCGTCGAACTTGCTGAACCATGGCCC[A>G]TTGATCTTGTTCACCAGCTCGGCCACACCGATGACCTCTGGGGAAGGGAGAGGGGCAAGG-3'
Protein context (NP_002590.1, residues 515-535): IGVAELVNKI[Asn525=]GPWFSKFDED

ClinVar aggregate classification (germline): Likely benign (1 of 4 stars; one submission).

gnomAD v4.1: 1 of 1,610,816 alleles (0.000062%); highest among the groups gnomAD compares: Non-Finnish European, 0.000085%; no homozygotes.

Submission:

CeGaT Center for Human Genetics Tuebingen
Classification: Likely benign. Last evaluated: 2026-07-01. Review status: criteria provided, single submitter. Criteria: CeGaT Center For Human Genetics Tuebingen Variant Classification Criteria Version 2. Collection method: clinical testing. Allele origin: germline. Affected: yes. Observed: 1 variant allele.
Comment: PDE2A: BP4, BP7